The following is an entry in ClinVar:

NM_001348716.2(KDM6B):c.2695C>T (p.Pro899Ser)

Gene: KDM6B (lysine demethylase 6B; plus strand). Cytogenetic location: 17p13.1.
Variant type: single nucleotide variant.
Coding change: c.2695C>T on transcript NM_001348716.2 (MANE Select); coding-DNA position 2695, C replaced by T.
Protein change: p.Pro899Ser; replaces proline 899 with serine.
Molecular consequence: missense variant.
Genome position (GRCh38, 1-based): chr17:7,848,983, C>T. VCF-style: chr17-7848983-C-T. GRCh37 (hg19) VCF-style: chr17-7752301-C-T.
Other names: c.2695C>T, p.Pro899Ser (NM_001080424.2); short protein forms P899S.
Identifiers: ClinVar variation 2431714 (VCV002431714.2), dbSNP rs2078630240, ClinGen allele CA397921028.

ClinVar aggregate classification (germline): Uncertain significance (1 of 4 stars; one submission).

Conditions:
Neurodevelopmental disorder with coarse facies and mild distal skeletal abnormalities. Also called: STOLERMAN NEURODEVELOPMENTAL SYNDROME. Identifiers: MedGen C5193134, MONDO:0032790, OMIM 618505.

Submission:

Laboratorio de Genetica e Diagnostico Molecular, Hospital Israelita Albert Einstein
Classification: Uncertain significance for Neurodevelopmental disorder with coarse facies and mild distal skeletal abnormalities. Last evaluated: 2022-10-10. Review status: criteria provided, single submitter. Criteria: ACMG Guidelines, 2015. Collection method: clinical testing. Allele origin: germline. Affected: yes.
Comment: ACMG classification criteria: PM2 moderated, BP4 supporting